The following is an entry in ClinVar:

ClinVar aggregate classification (germline): Pathogenic (1 of 4 stars; one submission).

Conditions:
GLB1-related disorder. Also called: GLB1-related disorders. Identifiers: MedGen CN377807.

Submission:

Myriad Genetics, Inc.
Classification: Pathogenic for GLB1-related disorder. Last evaluated: 2026-04-20. Review status: criteria provided, single submitter. Criteria: Myriad Autosomal Dominant, Autosomal Recessive and X-Linked Classification Criteria (2023). Collection method: clinical testing. Allele origin: unknown.
Comment: NM_000404.2(GLB1):c.175delC(R59Vfs*12) is a frameshift variant classified as pathogenic in the context of GLB1-related disorders. R59Vfs*12 has not been observed in cases with relevant disease. Relevant functional assessments of this variant are not available in the literature. R59Vfs*12 has not been observed in referenced population frequency databases. In summary, NM_000404.2(GLB1):c.175delC(R59Vfs*12) is a frameshift variant in a gene where loss of function is a known mechanism of disease and is predicted to disrupt protein function. Please note: this variant was assessed in the context of healthy population screening.

NM_000404.4(GLB1):c.175del (p.Arg59fs)

Gene: GLB1 (galactosidase beta 1; minus strand). Cytogenetic location: 3p22.3.
Variant type: Deletion.
Coding change: c.175del on transcript NM_000404.4 (MANE Select); coding-DNA position 175, one base deleted (C; older notation c.175delC).
Protein change: p.Arg59fs; shifts the reading frame from arginine 59.
Molecular consequence: frameshift variant.
Genome position (GRCh38, 1-based): chr3:33,072,614, G deleted on the plus strand (C on the coding strand, the reverse complement: GLB1 is on the minus strand); the first of 3 consecutive G bases (chr3:33,072,614-33,072,616); deleting any one gives the same sequence. VCF-style (leftmost placement, unchanged base first): chr3-33072613-CG-C. GRCh37 (hg19) VCF-style: chr3-33114105-CG-C.
Other names: c.85del, p.Arg29fs (NM_001079811.3); c.175del, p.Arg59fs (NM_001135602.3, NM_001393580.1); c.319del, p.Arg107fs (NM_001317040.2); short protein forms R107fs, R29fs, R59fs.
Identifiers: ClinVar variation 5004613 (VCV005004613.1).